The following is an entry in ClinVar:

ClinVar aggregate classification (germline): Likely benign (1 of 4 stars; one submission).

Allele frequency attached by ClinVar (database versions not stated): gnomAD 0.00023; ExAC 0.00029; 1000 Genomes Project 30x 0.00031; gnomAD exomes 0.00035.
gnomAD v4.1: 551 of 1,607,342 alleles (0.034%); highest among the groups gnomAD compares: Non-Finnish European, 0.04%; no homozygotes.

Submission:

CeGaT Center for Human Genetics Tuebingen
Classification: Likely benign. Last evaluated: 2024-11-01. Review status: criteria provided, single submitter. Criteria: CeGaT Center For Human Genetics Tuebingen Variant Classification Criteria Version 2. Collection method: clinical testing. Allele origin: germline. Affected: yes. Observed: 2 variant alleles.
Comment: AHNAK2: BP4, BP7

NM_138420.4(AHNAK2):c.9336T>C (p.Asp3112=)

Gene: AHNAK2 (AHNAK nucleoprotein 2; minus strand). Cytogenetic location: 14q32.33.
Variant type: single nucleotide variant.
Coding change: c.9336T>C on transcript NM_138420.4 (MANE Select); coding-DNA position 9336, T replaced by C.
Protein change: p.Asp3112=; no amino-acid change (aspartic acid 3112 retained).
Molecular consequence: synonymous variant.
Genome position (GRCh38, 1-based): chr14:104,946,115, A>G on the plus strand (T>C on the coding strand, the complement: AHNAK2 is on the minus strand). VCF-style: chr14-104946115-A-G. GRCh37 (hg19) VCF-style: chr14-105412452-A-G.
Other names: c.9036T>C, p.Asp3012= (NM_001350929.2).
Identifiers: ClinVar variation 2644689 (VCV002644689.24), dbSNP rs759834140, ClinGen allele CA7379661.